The following is an entry in ClinVar:

ClinVar aggregate classification (germline): Uncertain significance (1 of 4 stars; one submission).

Conditions:
MEGF10-related myopathy (CMYO10A). Also called: Congenital myopathy 10A, severe variant. Identifiers: Orphanet 439212, MedGen C3280679, MONDO:0013731, OMIM 614399.

Allele frequency attached by ClinVar (database versions not stated): gnomAD exomes below 0.00001.
gnomAD v4.1: 1 of 1,612,346 alleles (0.000062%); highest among the groups gnomAD compares: Non-Finnish European, 0.000085%; no homozygotes.

Submission:

Labcorp Genetics (formerly Invitae), Labcorp
Classification: Uncertain significance for MEGF10-related myopathy. Last evaluated: 2024-05-06. Review status: criteria provided, single submitter. Criteria: Invitae Variant Classification Sherloc (09022015). Collection method: clinical testing. Allele origin: germline.
Comment: This sequence change replaces histidine, which is basic and polar, with arginine, which is basic and polar, at codon 50 of the MEGF10 protein (p.His50Arg). This variant is not present in population databases (gnomAD no frequency). This variant has not been reported in the literature in individuals affected with MEGF10-related conditions. ClinVar contains an entry for this variant (Variation ID: 2161870). An algorithm developed to predict the effect of missense changes on protein structure and function (PolyPhen-2) suggests that this variant is likely to be disruptive. In summary, the available evidence is currently insufficient to determine the role of this variant in disease. Therefore, it has been classified as a Variant of Uncertain Significance.

NM_001256545.2(MEGF10):c.149A>G (p.His50Arg)

Gene: MEGF10 (multiple EGF like domains 10; plus strand). Cytogenetic location: 5q23.2.
Variant type: single nucleotide variant.
Coding change: c.149A>G on transcript NM_001256545.2 (MANE Select); coding-DNA position 149, A replaced by G.
Protein change: p.His50Arg; replaces histidine 50 with arginine.
Molecular consequence: missense variant.
Genome position (GRCh38, 1-based): chr5:127,339,152, A>G. VCF-style: chr5-127339152-A-G. GRCh37 (hg19) VCF-style: chr5-126674844-A-G.
Other names: c.149A>G, p.His50Arg (NM_001308119.2, NM_001308121.2, NM_032446.3); short protein forms H50R.
Identifiers: ClinVar variation 2161870 (VCV002161870.4), dbSNP rs1357420963, ClinGen allele CA360822056.